The following is an entry in ClinVar:

ClinVar aggregate classification (germline): Likely benign. Review status: criteria provided, single submitter (1 of 4 stars). 3 submissions from 3 submitters: Likely benign (1). 2 of the submissions do not count toward it. Last evaluated 2025-07-06.

Conditions:
HMGCL-related disorder. Also called: HMGCL-related condition.
Deficiency of hydroxymethylglutaryl-CoA lyase (HMGCLD). Also called: HMGCL DEFICIENCY; HYDROXYMETHYLGLUTARIC ACIDURIA; Defect in leucine metabolism; 3-hydroxy-3-methylglutaric aciduria; HMG-CoA LYASE DEFICIENCY. Identifiers: Orphanet 20, MedGen C1533587, MONDO:0009520, OMIM 246450.

Allele frequency attached by ClinVar (database versions not stated): gnomAD 0.00001 and 0.00002; TOPMed 0.00002; ExAC 0.00007; 1000 Genomes Project 30x 0.00016; 1000 Genomes Project 0.00020.
gnomAD v4.1: 43 of 1,614,000 alleles (0.0027%); highest among the groups gnomAD compares: Admixed American, 0.067%; no homozygotes.

Submissions (3):

Labcorp Genetics (formerly Invitae), Labcorp
Classification: Likely benign for Deficiency of hydroxymethylglutaryl-CoA lyase. Last evaluated: 2025-07-06. Review status: criteria provided, single submitter. Criteria: Invitae Variant Classification Sherloc (09022015). Collection method: clinical testing. Allele origin: germline.

Natera, Inc.
Classification: Likely benign for HMG-CoA lyase deficiency. Last evaluated: 2020-09-16. Review status: no assertion criteria provided. Collection method: clinical testing. Allele origin: germline. Not counted in ClinVar's aggregate classification.

PreventionGenetics, part of Exact Sciences
Classification: Likely benign for HMGCL-related condition. Last evaluated: 2019-07-08. Review status: no assertion criteria provided. Collection method: clinical testing. Allele origin: germline. Not counted in ClinVar's aggregate classification.
Comment: This variant is classified as likely benign based on ACMG/AMP sequence variant interpretation guidelines (Richards et al. 2015 PMID: 25741868, with internal and published modifications).

NM_000191.3(HMGCL):c.735C>A (p.Thr245=)

Gene: HMGCL (3-hydroxy-3-methylglutaryl-CoA lyase; minus strand). Cytogenetic location: 1p36.11.
Variant type: single nucleotide variant.
Coding change: c.735C>A on transcript NM_000191.3 (MANE Select); coding-DNA position 735, C replaced by A.
Protein change: p.Thr245=; no amino-acid change (threonine 245 retained).
Molecular consequence: synonymous variant.
Genome position (GRCh38, 1-based): chr1:23,808,150, G>T on the plus strand (C>A on the coding strand, the complement: HMGCL is on the minus strand). VCF-style: chr1-23808150-G-T. GRCh37 (hg19) VCF-style: chr1-24134640-G-T.
Other names: c.522C>A, p.Thr174= (NM_001166059.2).
Identifiers: ClinVar variation 702729 (VCV000702729.14), dbSNP rs202074025, ClinGen allele CA685996.